The following is an entry in ClinVar:

NM_000051.4(ATM):c.630G>T (p.Leu210Phe)

Gene: ATM (ATM serine/threonine kinase; plus strand). Cytogenetic location: 11q22.3.
Variant type: single nucleotide variant.
Coding change: c.630G>T on transcript NM_000051.4 (MANE Select); coding-DNA position 630, G replaced by T.
Protein change: p.Leu210Phe; replaces leucine 210 with phenylalanine.
Molecular consequence: missense variant.
Genome position (GRCh38, 1-based): chr11:108,244,086, G>T. VCF-style: chr11-108244086-G-T. GRCh37 (hg19) VCF-style: chr11-108114813-G-T.
Other names: c.630G>T, p.Leu210Phe (NM_001351834.2); short protein forms L210F.
Identifiers: ClinVar variation 2412957 (VCV002412957.4), dbSNP rs1565369739, ClinGen allele CA382528362.

ClinVar aggregate classification (germline): Uncertain significance. Review status: criteria provided, multiple submitters, no conflicts (2 of 4 stars). 2 submissions from 2 submitters: Uncertain significance (2). Last evaluated 2024-08-15.

Conditions:
Hereditary cancer-predisposing syndrome. Also called: Hereditary Cancer Syndrome; Hereditary neoplastic syndrome; Neoplastic Syndromes, Hereditary; Tumor predisposition. Identifiers: Orphanet 140162, MedGen C0027672, MeSH D009386, MONDO:0015356.

Submissions (2):

Ambry Genetics
Classification: Uncertain significance for Hereditary cancer-predisposing syndrome. Last evaluated: 2024-08-15. Review status: criteria provided, single submitter. Criteria: Ambry Variant Classification Scheme 2023. Collection method: clinical testing. Allele origin: germline.
Comment: The p.L210F variant (also known as c.630G>T), located in coding exon 5 of the ATM gene, results from a G to T substitution at nucleotide position 630. The leucine at codon 210 is replaced by phenylalanine, an amino acid with highly similar properties. This amino acid position is conserved. In addition, this alteration is predicted to be tolerated by in silico analysis. Based on the available evidence, the clinical significance of this variant remains unclear.

GeneDx
Classification: Uncertain significance. Last evaluated: 2023-01-30. Review status: criteria provided, single submitter. Criteria: GeneDx Variant Classification Process June 2021. Collection method: clinical testing. Allele origin: germline. Affected: yes.
Comment: Not observed at significant frequency in large population cohorts (gnomAD); In silico analysis supports that this missense variant does not alter protein structure/function; Has not been previously published as pathogenic or benign to our knowledge